The following is an entry in ClinVar:

ClinVar aggregate classification (germline): Pathogenic/Likely pathogenic. Review status: criteria provided, multiple submitters, no conflicts (2 of 4 stars). 2 submissions from 2 submitters: Pathogenic (1); Likely pathogenic (1). Last evaluated 2025-03-23.

Conditions:
Osteogenesis imperfecta type I (OI1). Also called: OI, TYPE I; OSTEOGENESIS IMPERFECTA TARDA; OSTEOGENESIS IMPERFECTA WITH BLUE SCLERAE; Lobstein's Disease; Classic Non-deforming Osteogenesis Imperfecta with Blue Sclerae; Lobstein disease. Identifiers: Orphanet 216796, Orphanet 666, MedGen C0023931, MONDO:0008146, OMIM 166200. Disease mechanism: loss of function.

Submissions (2):

Labcorp Genetics (formerly Invitae), Labcorp
Classification: Pathogenic for Osteogenesis imperfecta type I. Last evaluated: 2025-03-23. Review status: criteria provided, single submitter. Criteria: Invitae Variant Classification Sherloc (09022015). Collection method: clinical testing. Allele origin: germline.
Comment: This sequence change creates a premature translational stop signal (p.Pro604Leufs*162) in the COL1A1 gene. It is expected to result in an absent or disrupted protein product. Loss-of-function variants in COL1A1 are known to be pathogenic (PMID: 7942841, 9295084, 9443882). This variant is not present in population databases (gnomAD no frequency). This variant has not been reported in the literature in individuals affected with COL1A1-related conditions. ClinVar contains an entry for this variant (Variation ID: 1803138). For these reasons, this variant has been classified as Pathogenic.

Genetics and Molecular Pathology, SA Pathology
Classification: Likely pathogenic for Osteogenesis imperfecta type I. Last evaluated: 2021-03-15. Review status: criteria provided, single submitter. Criteria: ACMG Guidelines, 2015. Collection method: clinical testing. Allele origin: germline. Affected: yes.

Literature cited by the submitters: PubMed 7942841 (cited by Labcorp Genetics (formerly Invitae), Labcorp); PubMed 9295084 (cited by Labcorp Genetics (formerly Invitae), Labcorp); PubMed 9443882 (cited by Labcorp Genetics (formerly Invitae), Labcorp).

NM_000088.4(COL1A1):c.1811del (p.Pro604fs)

Gene: COL1A1 (collagen type I alpha 1 chain; minus strand). Cytogenetic location: 17q21.33.
Variant type: Deletion.
Coding change: c.1811del on transcript NM_000088.4 (MANE Select); coding-DNA position 1811, one base deleted (C; older notation c.1811delC).
Protein change: p.Pro604fs; shifts the reading frame from proline 604.
Molecular consequence: frameshift variant.
Genome position (GRCh38, 1-based): chr17:50,193,004, G deleted on the plus strand (C on the coding strand, the reverse complement: COL1A1 is on the minus strand); the first of 5 consecutive G bases (chr17:50,193,004-50,193,008); deleting any one gives the same sequence. VCF-style (leftmost placement, unchanged base first): chr17-50193003-AG-A. GRCh37 (hg19) VCF-style: chr17-48270364-AG-A.
Other names: c.1811delC (NM_000088.3); short protein forms P604fs.
Identifiers: ClinVar variation 1803138 (VCV001803138.2), dbSNP rs2509209539, ClinGen allele CA1139768929.